The following is an entry in ClinVar:

NM_001457.4(FLNB):c.3608_3616dup (p.Thr1203_Thr1205dup)

Gene: FLNB (filamin B; plus strand). Cytogenetic location: 3p14.3.
Variant type: Duplication.
Coding change: c.3608_3616dup on transcript NM_001457.4 (MANE Select); coding-DNA positions 3608 to 3616, 9 bases duplicated (CGTTGACCA; older notation c.3608_3616dupCGTTGACCA).
Protein change: p.Thr1203_Thr1205dup.
Molecular consequence: inframe insertion.
Genome position (GRCh38, 1-based): chr3:58,123,574-58,123,582, CGTTGACCA duplicated; duplicating any 9 consecutive bases within chr3:58,123,572-58,123,582 gives the same sequence; the c. name uses the placement nearest the transcript's 3' end. VCF-style (leftmost placement, unchanged base first): chr3-58123571-A-ACACGTTGAC. GRCh37 (hg19) VCF-style: chr3-58109298-A-ACACGTTGAC.
Other names: c.3608_3616dup, p.Thr1203_Thr1205dup (NM_001164317.2, NM_001164318.2, NM_001164319.2).
Identifiers: ClinVar variation 1486974 (VCV001486974.6), dbSNP rs773677075, ClinGen allele CA2468455.

ClinVar aggregate classification (germline): Uncertain significance (1 of 4 stars; one submission).

Submission:

Labcorp Genetics (formerly Invitae), Labcorp
Classification: Uncertain significance. Last evaluated: 2021-08-15. Review status: criteria provided, single submitter. Criteria: Invitae Variant Classification Sherloc (09022015). Collection method: clinical testing. Allele origin: germline.
Comment: This variant, c.3608_3616dup, results in the insertion of 3 amino acid(s) to the FLNB protein (p.Thr1203_Thr1205dup), but otherwise preserves the integrity of the reading frame. The frequency data for this variant in the population databases is considered unreliable, as metrics indicate poor data quality at this position in the ExAC database. This variant has not been reported in the literature in individuals affected with FLNB-related conditions. Experimental studies and prediction algorithms are not available or were not evaluated, and the functional significance of this variant is currently unknown. In summary, the available evidence is currently insufficient to determine the role of this variant in disease. Therefore, it has been classified as a Variant of Uncertain Significance.